The following is an entry in ClinVar:

NM_020884.7(MYH7B):c.1082A>G (p.His361Arg)

Gene: MYH7B (myosin heavy chain 7B; plus strand). Cytogenetic location: 20q11.22.
Variant type: single nucleotide variant.
Coding change: c.1082A>G on transcript NM_020884.7 (MANE Select); coding-DNA position 1082, A replaced by G.
Protein change: p.His361Arg; replaces histidine 361 with arginine.
Molecular consequence: missense variant.
Genome position (GRCh38, 1-based): chr20:34,987,222, A>G. VCF-style: chr20-34987222-A-G. GRCh37 (hg19) VCF-style: chr20-33575025-A-G.
Other names: short protein forms H361R.
Identifiers: ClinVar variation 2463832 (VCV002463832.6), dbSNP rs754072923, ClinGen allele CA9826796.

ClinVar aggregate classification (germline): Uncertain significance. Review status: criteria provided, multiple submitters, no conflicts (2 of 4 stars). 2 submissions from 2 submitters: Uncertain significance (2). Last evaluated 2025-09-24.

Allele frequency attached by ClinVar (database versions not stated): gnomAD 0.00002; TOPMed 0.00002; ExAC 0.00003; gnomAD exomes 0.00003.
gnomAD v4.1: 51 of 1,612,242 alleles (0.0032%); highest among the groups gnomAD compares: Non-Finnish European, 0.0041%; no homozygotes.

Submissions (2):

Ambry Genetics
Classification: Uncertain significance. Last evaluated: 2025-09-24. Review status: criteria provided, single submitter. Criteria: Ambry Variant Classification Scheme 2023. Collection method: clinical testing. Allele origin: germline.

Labcorp Genetics (formerly Invitae), Labcorp
Classification: Uncertain significance. Last evaluated: 2023-11-18. Review status: criteria provided, single submitter. Criteria: Invitae Variant Classification Sherloc (09022015). Collection method: clinical testing. Allele origin: germline.
Comment: This sequence change replaces histidine, which is basic and polar, with arginine, which is basic and polar, at codon 403 of the MYH7B protein (p.His403Arg). This variant is present in population databases (rs754072923, gnomAD 0.007%). This variant has not been reported in the literature in individuals affected with MYH7B-related conditions. ClinVar contains an entry for this variant (Variation ID: 2463832). Advanced modeling of protein sequence and biophysical properties (such as structural, functional, and spatial information, amino acid conservation, physicochemical variation, residue mobility, and thermodynamic stability) performed at Invitae indicates that this missense variant is expected to disrupt MYH7B protein function with a positive predictive value of 80%. In summary, the available evidence is currently insufficient to determine the role of this variant in disease. Therefore, it has been classified as a Variant of Uncertain Significance.